The following is an entry in ClinVar:

NM_020738.4(KIDINS220):c.603+4A>G

Gene: KIDINS220 (kinase D interacting substrate 220; minus strand). Cytogenetic location: 2p25.1.
Variant type: single nucleotide variant.
Coding change: c.603+4A>G on transcript NM_020738.4 (MANE Select); 4 bases into the intron after coding-DNA position 603, A replaced by G.
Molecular consequence: intron variant.
Genome position (GRCh38, 1-based): chr2:8,806,267, T>C on the plus strand (A>G on the coding strand, the complement: KIDINS220 is on the minus strand). VCF-style: chr2-8806267-T-C. GRCh37 (hg19) VCF-style: chr2-8946397-T-C.
Other names: c.603+4A>G (NM_001348743.2, NM_001348735.2, NM_001348732.2 and 4 more transcripts); c.606+4A>G (NM_001348740.2, NM_001348734.2, NM_001348731.2 and 3 more transcripts); c.477+4A>G (NM_001348736.2).
Identifiers: ClinVar variation 2059474 (VCV002059474.9), dbSNP rs530872935, ClinGen allele CA1520388.
Genomic context (GRCh38, chr2:8,806,267, plus strand): 5'-AATTCTCTCTCTTAAAATAAAAAACATGTTTCTATTGCCAAGCATTAAAATATAAGATAC[T>C]TACAGCTCCTTCTTGATCCACATCAGCTCCCATGGCCAATAAATGTTTCACACATTCCAA-3'

ClinVar aggregate classification (germline): Uncertain significance. Review status: criteria provided, multiple submitters, no conflicts (2 of 4 stars). 3 submissions from 3 submitters: Uncertain significance (3). Last evaluated 2026-06-15.

Conditions:
Inborn genetic diseases. Identifiers: MedGen C0950123, MeSH D030342.
KIDINS220-related disorder. Also called: KIDINS220-related condition.

Allele frequency attached by ClinVar (database versions not stated): gnomAD exomes 0.00003; TOPMed 0.00006; ExAC 0.00001; gnomAD 0.00005.
gnomAD v4.1: 50 of 1,582,528 alleles (0.0032%); highest among the groups gnomAD compares: Middle Eastern, 0.017%; no homozygotes.

Submissions (3):

Ambry Genetics
Classification: Uncertain significance for Inborn genetic diseases. Last evaluated: 2026-06-15. Review status: criteria provided, single submitter. Criteria: Ambry Variant Classification Scheme 2023. Collection method: clinical testing. Allele origin: germline.
Comment: The c.603+4A>G intronic alteration consists of an A to G substitution 4 nucleotides after exon 7 (coding exon 6) of the KIDINS220 gene. Based on data from gnomAD, the G allele has an overall frequency of 0.003% (6/235330) total alleles studied. The highest observed frequency was 0.006% (6/109618) of European (non-Finnish) alleles. This nucleotide position is well conserved in available vertebrate species. RNA studies have demonstrated that this variant results in a transcript predicted to lead to a protein with an in-frame deletion of 33 amino acid(s); however, the exact functional impact of the deleted amino acid(s) is unknown at this time (Ambry internal data). In silico splice site analysis predicts that this alteration will result in the creation or strengthening of a novel splice donor site. Based on insufficient or conflicting evidence, the clinical significance of this alteration remains unclear.

PreventionGenetics, part of Exact Sciences
Classification: Uncertain significance for KIDINS220-related condition. Last evaluated: 2026-04-15. Review status: criteria provided, single submitter. Criteria: ACMG Guidelines, 2015. Collection method: clinical testing. Allele origin: germline.
Comment: The KIDINS220 c.603+4A>G variant is predicted to interfere with splicing. To our knowledge, this variant has not been reported in the literature. This variant is reported in 0.0055% of alleles in individuals of European (Non-Finnish) descent in gnomAD. At this time, the clinical significance of this variant is uncertain due to the absence of conclusive functional and genetic evidence.

Labcorp Genetics (formerly Invitae), Labcorp
Classification: Uncertain significance. Last evaluated: 2024-06-28. Review status: criteria provided, single submitter. Criteria: Invitae Variant Classification Sherloc (09022015). Collection method: clinical testing. Allele origin: germline.
Comment: This sequence change falls in intron 7 of the KIDINS220 gene. It does not directly change the encoded amino acid sequence of the KIDINS220 protein. It affects a nucleotide within the consensus splice site. This variant is present in population databases (rs530872935, gnomAD 0.006%). This variant has not been reported in the literature in individuals affected with KIDINS220-related conditions. ClinVar contains an entry for this variant (Variation ID: 2059474). Variants that disrupt the consensus splice site are a relatively common cause of aberrant splicing (PMID: 17576681, 9536098). Algorithms developed to predict the effect of sequence changes on RNA splicing suggest that this variant may disrupt the consensus splice site. In summary, the available evidence is currently insufficient to determine the role of this variant in disease. Therefore, it has been classified as a Variant of Uncertain Significance.

Literature cited by the submitters: PubMed 17576681 (cited by Labcorp Genetics (formerly Invitae), Labcorp); PubMed 9536098 (cited by Labcorp Genetics (formerly Invitae), Labcorp).